The following is an entry in ClinVar:

NM_000193.4(SHH):c.677C>G (p.Ala226Gly)

Gene: SHH (sonic hedgehog signaling molecule; minus strand). Cytogenetic location: 7q36.3.
Variant type: single nucleotide variant.
Coding change: c.677C>G on transcript NM_000193.4 (MANE Select); coding-DNA position 677, C replaced by G.
Protein change: p.Ala226Gly; replaces alanine 226 with glycine.
Molecular consequence: missense variant. On other transcripts: intron variant (1).
Genome position (GRCh38, 1-based): chr7:155,803,612, G>C on the plus strand (C>G on the coding strand, the complement: SHH is on the minus strand). VCF-style: chr7-155803612-G-C. GRCh37 (hg19) VCF-style: chr7-155596306-G-C.
Other names: c.301+2684C>G (NM_001310462.2); short protein forms A226G.
Identifiers: ClinVar variation 1707055 (VCV001707055.2), dbSNP rs746603362, ClinGen allele CA370146472.

ClinVar aggregate classification (germline): Uncertain significance (1 of 4 stars; one submission).

Submission:

GeneDx
Classification: Uncertain significance. Last evaluated: 2022-03-21. Review status: criteria provided, single submitter. Criteria: GeneDx Variant Classification Process June 2021. Collection method: clinical testing. Allele origin: germline. Affected: yes.
Comment: Not observed at significant frequency in large population cohorts (gnomAD); In silico analysis supports that this missense variant does not alter protein structure/function; Has not been previously published as pathogenic or benign to our knowledge